The following is an entry in ClinVar:

NM_006231.4(POLE):c.4574G>T (p.Ser1525Ile)

Gene: POLE (DNA polymerase epsilon, catalytic subunit; minus strand). Cytogenetic location: 12q24.33.
Variant type: single nucleotide variant.
Coding change: c.4574G>T on transcript NM_006231.4 (MANE Select); coding-DNA position 4574, G replaced by T.
Protein change: p.Ser1525Ile; replaces serine 1525 with isoleucine.
Molecular consequence: missense variant.
Genome position (GRCh38, 1-based): chr12:132,642,974, C>A on the plus strand (G>T on the coding strand, the complement: POLE is on the minus strand). VCF-style: chr12-132642974-C-A. GRCh37 (hg19) VCF-style: chr12-133219560-C-A.
Other names: short protein forms S1525I.
Identifiers: ClinVar variation 1741587 (VCV001741587.3), dbSNP rs1593732744, ClinGen allele CA387379297.

ClinVar aggregate classification (germline): Uncertain significance. Review status: criteria provided, multiple submitters, no conflicts (2 of 4 stars). 2 submissions from 2 submitters: Uncertain significance (2). Last evaluated 2025-11-22.

Conditions:
Hereditary cancer-predisposing syndrome. Also called: Hereditary Cancer Syndrome; Hereditary neoplastic syndrome; Neoplastic Syndromes, Hereditary; Tumor predisposition. Identifiers: Orphanet 140162, MedGen C0027672, MeSH D009386, MONDO:0015356.

gnomAD v4.1: 1 of 1,594,462 alleles (0.000063%); no homozygotes.

Submissions (2):

Labcorp Genetics (formerly Invitae), Labcorp
Classification: Uncertain significance. Last evaluated: 2025-11-22. Review status: criteria provided, single submitter. Criteria: Invitae Variant Classification Sherloc (09022015). Collection method: clinical testing. Allele origin: germline.
Comment: This sequence change replaces serine, which is neutral and polar, with isoleucine, which is neutral and non-polar, at codon 1525 of the POLE protein (p.Ser1525Ile). This variant is not present in population databases (gnomAD no frequency). This variant has not been reported in the literature in individuals affected with POLE-related conditions. ClinVar contains an entry for this variant (Variation ID: 1741587). Invitae Evidence Modeling of protein sequence and biophysical properties (such as structural, functional, and spatial information, amino acid conservation, physicochemical variation, residue mobility, and thermodynamic stability) indicates that this missense variant is not expected to disrupt POLE protein function with a negative predictive value of 80%. In summary, the available evidence is currently insufficient to determine the role of this variant in disease. Therefore, it has been classified as a Variant of Uncertain Significance.

Ambry Genetics
Classification: Uncertain significance for Hereditary cancer-predisposing syndrome. Last evaluated: 2024-03-03. Review status: criteria provided, single submitter. Criteria: Ambry Variant Classification Scheme 2023. Collection method: clinical testing. Allele origin: germline.
Comment: The p.S1525I variant (also known as c.4574G>T), located in coding exon 36 of the POLE gene, results from a G to T substitution at nucleotide position 4574. The serine at codon 1525 is replaced by isoleucine, an amino acid with dissimilar properties. This amino acid position is conserved. In addition, this alteration is predicted to be tolerated by in silico analysis. Since supporting evidence is limited at this time, the clinical significance of this alteration remains unclear.